The following is an entry in ClinVar:

ClinVar aggregate classification (germline): Uncertain significance. Review status: criteria provided, multiple submitters, no conflicts (2 of 4 stars). 2 submissions from 2 submitters: Uncertain significance (2). Last evaluated 2025-09-01.

Conditions:
Inborn genetic diseases. Identifiers: MedGen C0950123, MeSH D030342.

Submissions (2):

Ambry Genetics
Classification: Uncertain significance for Inborn genetic diseases. Last evaluated: 2025-09-01. Review status: criteria provided, single submitter. Criteria: Ambry Variant Classification Scheme 2023. Collection method: clinical testing. Allele origin: germline.

Labcorp Genetics (formerly Invitae), Labcorp
Classification: Uncertain significance. Last evaluated: 2025-01-18. Review status: criteria provided, single submitter. Criteria: Invitae Variant Classification Sherloc (09022015). Collection method: clinical testing. Allele origin: germline.
Comment: This sequence change replaces aspartic acid, which is acidic and polar, with glutamic acid, which is acidic and polar, at codon 489 of the DIP2C protein (p.Asp489Glu). This variant is not present in population databases (gnomAD no frequency). This variant has not been reported in the literature in individuals affected with DIP2C-related conditions. An algorithm developed to predict the effect of missense changes on protein structure and function (PolyPhen-2) suggests that this variant is likely to be tolerated. In summary, the available evidence is currently insufficient to determine the role of this variant in disease. Therefore, it has been classified as a Variant of Uncertain Significance.

NM_014974.3(DIP2C):c.1467T>G (p.Asp489Glu)

Gene: DIP2C (DIP2 acetate--CoA ligase C (putative); minus strand). Cytogenetic location: 10p15.3.
Variant type: single nucleotide variant.
Coding change: c.1467T>G on transcript NM_014974.3 (MANE Select); coding-DNA position 1467, T replaced by G.
Protein change: p.Asp489Glu; replaces aspartic acid 489 with glutamic acid.
Molecular consequence: missense variant.
Genome position (GRCh38, 1-based): chr10:390,291, A>C on the plus strand (T>G on the coding strand, the complement: DIP2C is on the minus strand). VCF-style: chr10-390291-A-C. GRCh37 (hg19) VCF-style: chr10-436231-A-C.
Other names: c.1467T>G (NM_014974.2); short protein forms D489E.
Identifiers: ClinVar variation 3631455 (VCV003631455.3).